The following is an entry in ClinVar:

NM_001364716.4(MPRIP):c.193C>T (p.Arg65Trp)

Gene: MPRIP (myosin phosphatase Rho interacting protein; plus strand). Cytogenetic location: 17p11.2.
Variant type: single nucleotide variant.
Coding change: c.193C>T on transcript NM_001364716.4 (MANE Select); coding-DNA position 193, C replaced by T.
Protein change: p.Arg65Trp; replaces arginine 65 with tryptophan.
Molecular consequence: missense variant.
Genome position (GRCh38, 1-based): chr17:17,075,779, C>T. VCF-style: chr17-17075779-C-T. GRCh37 (hg19) VCF-style: chr17-16979093-C-T.
Other names: c.193C>T, p.Arg65Trp (NM_015134.4, NM_201274.4); short protein forms R65W.
Identifiers: ClinVar variation 2647509 (VCV002647509.24), dbSNP rs1333426002, ClinGen allele CA398523310.

ClinVar aggregate classification (germline): Uncertain significance (1 of 4 stars; one submission).

Allele frequency attached by ClinVar (database versions not stated): gnomAD exomes below 0.00001.
gnomAD v4.1: 1 of 1,614,054 alleles (0.000062%); highest among the groups gnomAD compares: South Asian, 0.0011%; no homozygotes.

Submission:

CeGaT Center for Human Genetics Tuebingen
Classification: Uncertain significance. Last evaluated: 2022-04-01. Review status: criteria provided, single submitter. Criteria: CeGaT Center For Human Genetics Tuebingen Variant Classification Criteria Version 2. Collection method: clinical testing. Allele origin: germline. Affected: yes. Observed: 1 variant allele.
Comment: MPRIP: PP2, BP4